The following is an entry in ClinVar:

NM_005120.3(MED12):c.6108G>C (p.Gln2036His)

Gene: MED12 (mediator complex subunit 12; plus strand). Cytogenetic location: Xq13.1.
Variant type: single nucleotide variant.
Coding change: c.6108G>C on transcript NM_005120.3 (MANE Select); coding-DNA position 6108, G replaced by C.
Protein change: p.Gln2036His; replaces glutamine 2036 with histidine.
Molecular consequence: missense variant.
Genome position (GRCh38, 1-based): chrX:71,140,698, G>C. VCF-style: chrX-71140698-G-C. GRCh37 (hg19) VCF-style: chrX-70360548-G-C.
Other names: short protein forms Q2036H.
Identifiers: ClinVar variation 2012963 (VCV002012963.4), dbSNP rs2147838607, ClinGen allele CA413539798.

ClinVar aggregate classification (germline): Uncertain significance (1 of 4 stars; one submission).

Conditions:
FG syndrome (FGS). Identifiers: MedGen C0220769, MONDO:0002010.

Submission:

Labcorp Genetics (formerly Invitae), Labcorp
Classification: Uncertain significance for FG syndrome. Last evaluated: 2022-07-01. Review status: criteria provided, single submitter. Criteria: Invitae Variant Classification Sherloc (09022015). Collection method: clinical testing. Allele origin: germline.
Comment: In summary, the available evidence is currently insufficient to determine the role of this variant in disease. Therefore, it has been classified as a Variant of Uncertain Significance. Algorithms developed to predict the effect of missense changes on protein structure and function are either unavailable or do not agree on the potential impact of this missense change (SIFT: "Deleterious"; PolyPhen-2: "Probably Damaging"; Align-GVGD: "Class C0"). This variant has not been reported in the literature in individuals affected with MED12-related conditions. This variant is not present in population databases (gnomAD no frequency). This sequence change replaces glutamine, which is neutral and polar, with histidine, which is basic and polar, at codon 2036 of the MED12 protein (p.Gln2036His).